The following is an entry in ClinVar:

ClinVar aggregate classification (germline): Uncertain significance (1 of 4 stars; one submission).

Allele frequency attached by ClinVar (database versions not stated): gnomAD 0.00001; ExAC 0.00002; TOPMed 0.00002; gnomAD exomes 0.00003 and 0.00013; ESP Exome Variant Server 0.00008.
gnomAD v4.1: 181 of 1,603,228 alleles (0.011%); highest among the groups gnomAD compares: Non-Finnish European, 0.015%; no homozygotes.

Submission:

Labcorp Genetics (formerly Invitae), Labcorp
Classification: Uncertain significance. Last evaluated: 2021-09-17. Review status: criteria provided, single submitter. Criteria: Invitae Variant Classification Sherloc (09022015). Collection method: clinical testing. Allele origin: germline.
Comment: This sequence change replaces isoleucine with valine at codon 1001 of the PCDH15 protein (p.Ile1001Val). The isoleucine residue is moderately conserved and there is a small physicochemical difference between isoleucine and valine. This variant is present in population databases (rs146327982, ExAC 0.003%). This variant has not been reported in the literature in individuals with PCDH15-related disease. Algorithms developed to predict the effect of missense changes on protein structure and function (SIFT, PolyPhen-2, Align-GVGD) all suggest that this variant is likely to be tolerated, but these predictions have not been confirmed by published functional studies and their clinical significance is uncertain. In summary, the available evidence is currently insufficient to determine the role of this variant in disease. Therefore, it has been classified as a Variant of Uncertain Significance.

NM_001384140.1(PCDH15):c.3001A>G (p.Ile1001Val)

Gene: PCDH15 (protocadherin related 15; minus strand). Cytogenetic location: 10q21.1.
Variant type: single nucleotide variant.
Coding change: c.3001A>G on transcript NM_001384140.1 (MANE Select); coding-DNA position 3001, A replaced by G.
Protein change: p.Ile1001Val; replaces isoleucine 1001 with valine.
Molecular consequence: missense variant.
Genome position (GRCh38, 1-based): chr10:53,961,760, T>C on the plus strand (A>G on the coding strand, the complement: PCDH15 is on the minus strand). VCF-style: chr10-53961760-T-C. GRCh37 (hg19) VCF-style: chr10-55721520-T-C.
Other names: c.3016A>G, p.Ile1006Val (NM_001142763.2, NM_001142771.2); c.3001A>G, p.Ile1001Val (NM_001142764.2, NM_001142766.2, NM_001142770.3 and 4 more transcripts); c.2788A>G, p.Ile930Val (NM_001142765.2); c.2890A>G, p.Ile964Val (NM_001142767.2); c.2935A>G, p.Ile979Val (NM_001142768.2, NM_001142773.2, NM_001354404.2); c.3037A>G, p.Ile1013Val (NM_001142769.4); c.3022A>G, p.Ile1008Val (NM_001354411.2); short protein forms I930V, I1001V, I964V, I1006V, I1008V, I1013V, I979V.
Identifiers: ClinVar variation 1359992 (VCV001359992.5), dbSNP rs146327982, ClinGen allele CA5505857.
Genomic context (GRCh38, chr10:53,961,760, plus strand): 5'-TCTATCAAAAATTAAACATCAAATAGACCACATAATGAAAAGAGACACTGACCTTAAAAA[T>C]TGTTGTAGGTTCTTCATTAAGATTGACTCGTGTTATTACTCTTCCAGAATCTTCTTCCAC-3'
Protein context (NP_001371069.1, residues 991-1011): RVNLNEEPTT[Ile1001Val]FKLVVVAFDD